The following is an entry in ClinVar:

ClinVar aggregate classification (germline): Uncertain significance. Review status: criteria provided, multiple submitters, no conflicts (2 of 4 stars). 2 submissions from 2 submitters: Uncertain significance (2). Last evaluated 2022-12-29.

Conditions:
Cardiovascular phenotype. Identifiers: MedGen CN230736.

Allele frequency attached by ClinVar (database versions not stated): ExAC 0.00001; gnomAD 0.00001; TOPMed 0.00001.

Submissions (2):

GeneDx
Classification: Uncertain significance. Last evaluated: 2022-12-29. Review status: criteria provided, single submitter. Criteria: GeneDx Variant Classification Process June 2021. Collection method: clinical testing. Allele origin: germline. Affected: yes.
Comment: Not observed at significant frequency in large population cohorts (gnomAD); Missense variant in a gene in which most reported pathogenic variants are truncating/loss of function; Has not been previously published as pathogenic or benign to our knowledge

Ambry Genetics
Classification: Uncertain significance for Cardiovascular phenotype. Last evaluated: 2018-03-21. Review status: criteria provided, single submitter. Criteria: Ambry Variant Classification Scheme 2023. Collection method: clinical testing. Allele origin: germline.
Comment: The p.E13057K variant (also known as c.39169G>A), located in coding exon 142 of the TTN gene, results from a G to A substitution at nucleotide position 39169. The glutamic acid at codon 13057 is replaced by lysine, an amino acid with similar properties. This amino acid position is highly conserved in available vertebrate species. In addition, the in silico prediction for this alteration is inconclusive. Since supporting evidence is limited at this time, the clinical significance of this alteration remains unclear.

NM_001267550.2(TTN):c.66364G>A (p.Glu22122Lys)

Genes: TTN (titin; minus strand), TTN-AS1 (TTN antisense RNA 1; plus strand). Cytogenetic location: 2q31.2.
Variant type: single nucleotide variant.
Coding change: c.66364G>A on transcript NM_001267550.2 (MANE Select); coding-DNA position 66364, G replaced by A.
Protein change: p.Glu22122Lys; replaces glutamic acid 22122 with lysine.
Molecular consequence: missense variant.
Genome position (GRCh38, 1-based): chr2:178,582,005, C>T on the plus strand (G>A on the coding strand, the complement: TTN is on the minus strand). VCF-style: chr2-178582005-C-T. GRCh37 (hg19) VCF-style: chr2-179446732-C-T.
Other names: c.61441G>A, p.Glu20481Lys (NM_001256850.1); c.39169G>A, p.Glu13057Lys (NM_003319.4); c.58660G>A, p.Glu19554Lys (NM_133378.4); c.39544G>A, p.Glu13182Lys (NM_133432.3); c.39745G>A, p.Glu13249Lys (NM_133437.4); short protein forms E20481K, E13249K, E19554K, E13057K, E13182K, E22122K.
Identifiers: ClinVar variation 1736143 (VCV001736143.3), dbSNP rs764747244, ClinGen allele CA1991538.
Genomic context (GRCh38, chr2:178,582,005, plus strand): 5'-TGGGTTTGCCTGGTCCAGCTTTATTTATAGCTGTAACACGGAACTCATATTCGGTACCTT[C>T]TTGAAGACCTGTTGCTTTTAATGTTCTTTCTATAATAGGTTTTCTGTTGACCTTAGTCCA-3'
Protein context (NP_001254479.2, residues 22112-22132): ERTLKATGLQ[Glu22122Lys]GTEYEFRVTA